The following is an entry in ClinVar:

NM_001258392.3(CLPB):c.278G>C (p.Gly93Ala)

Genes: CLPB (ClpB family mitochondrial disaggregase; minus strand), LOC130006336 (ATAC-STARR-seq lymphoblastoid active region 5191; plus strand). Cytogenetic location: 11q13.4.
Variant type: single nucleotide variant.
Coding change: c.278G>C on transcript NM_001258392.3 (MANE Select); coding-DNA position 278, G replaced by C.
Protein change: p.Gly93Ala; replaces glycine 93 with alanine.
Molecular consequence: missense variant.
Genome position (GRCh38, 1-based): chr11:72,434,197, C>G on the plus strand (G>C on the coding strand, the complement: CLPB is on the minus strand). VCF-style: chr11-72434197-C-G. GRCh37 (hg19) VCF-style: chr11-72145241-C-G.
Other names: c.278G>C, p.Gly93Ala (NM_001258393.3, NM_030813.6); c.36G>C, p.Trp12Cys (NM_001258394.3); c.278G>C (NM_030813.3); short protein forms W12C, G93A.
Identifiers: ClinVar variation 2994081 (VCV002994081.4), dbSNP rs1333709479, ClinGen allele CA381963085.

ClinVar aggregate classification (germline): Uncertain significance. Review status: criteria provided, multiple submitters, no conflicts (2 of 4 stars). 2 submissions from 2 submitters: Uncertain significance (2). Last evaluated 2025-07-15.

Conditions:
Inborn genetic diseases. Identifiers: MedGen C0950123, MeSH D030342.
3-methylglutaconic aciduria, type VIIB (MGCA7B). Also called: 3-methylglutaconic aciduria with cataracts, neurologic involvement and neutropenia; 3-methylglutaconic aciduria, type VII, with cataracts, neurologic involvement and neutropenia; CLPB Deficiency. Identifiers: Orphanet 445038, MedGen C5676893, MONDO:0014561, OMIM 616271.

Allele frequency attached by ClinVar (database versions not stated): TOPMed below 0.00001; gnomAD 0.00001.
gnomAD v4.1: 13 of 1,613,386 alleles (0.00081%); highest among the groups gnomAD compares: Non-Finnish European, 0.001%; no homozygotes.

Submissions (2):

Ambry Genetics
Classification: Uncertain significance for Inborn genetic diseases. Last evaluated: 2025-07-15. Review status: criteria provided, single submitter. Criteria: Ambry Variant Classification Scheme 2023. Collection method: clinical testing. Allele origin: germline.

Labcorp Genetics (formerly Invitae), Labcorp
Classification: Uncertain significance for 3-methylglutaconic aciduria, type VIIB. Last evaluated: 2023-07-14. Review status: criteria provided, single submitter. Criteria: Invitae Variant Classification Sherloc (09022015). Collection method: clinical testing. Allele origin: germline.
Comment: In summary, the available evidence is currently insufficient to determine the role of this variant in disease. Therefore, it has been classified as a Variant of Uncertain Significance. An algorithm developed to predict the effect of missense changes on protein structure and function (PolyPhen-2) suggests that this variant is likely to be tolerated. This variant has not been reported in the literature in individuals affected with CLPB-related conditions. This variant is not present in population databases (gnomAD no frequency). This sequence change replaces glycine, which is neutral and non-polar, with alanine, which is neutral and non-polar, at codon 93 of the CLPB protein (p.Gly93Ala).